The following is an entry in ClinVar:

NM_000017.4(ACADS):c.817A>G (p.Ile273Val)

Gene: ACADS (acyl-CoA dehydrogenase short chain; plus strand). Cytogenetic location: 12q24.31.
Variant type: single nucleotide variant.
Coding change: c.817A>G on transcript NM_000017.4 (MANE Select); coding-DNA position 817, A replaced by G.
Protein change: p.Ile273Val; replaces isoleucine 273 with valine.
Molecular consequence: missense variant.
Genome position (GRCh38, 1-based): chr12:120,738,554, A>G. VCF-style: chr12-120738554-A-G. GRCh37 (hg19) VCF-style: chr12-121176357-A-G.
Other names: c.805A>G, p.Ile269Val (NM_001302554.2); short protein forms I269V, I273V.
Identifiers: ClinVar variation 2919279 (VCV002919279.5), dbSNP rs769242128, ClinGen allele CA6831083.

ClinVar aggregate classification (germline): Uncertain significance. Review status: criteria provided, multiple submitters, no conflicts (2 of 4 stars). 2 submissions from 2 submitters: Uncertain significance (2). Last evaluated 2022-12-25.

Conditions:
Deficiency of butyryl-CoA dehydrogenase (ACADSD). Also called: SCAD DEFICIENCY, MILD; ACYL-CoA DEHYDROGENASE, SHORT-CHAIN, DEFICIENCY OF; SCADH DEFICIENCY; SCAD Deficiency; Short-Chain Acyl-CoA Dehydrogenase Deficiency; ACADS DEFICIENCY. Identifiers: Orphanet 26792, MedGen C0342783, MONDO:0008722, OMIM 201470. Disease mechanism: May be benign.

Allele frequency attached by ClinVar (database versions not stated): gnomAD 0.00001; ExAC 0.00002; gnomAD exomes 0.00002.
gnomAD v4.1: 26 of 1,610,948 alleles (0.0016%); highest among the groups gnomAD compares: East Asian, 0.0067%; no homozygotes.

Submissions (2):

Labcorp Genetics (formerly Invitae), Labcorp
Classification: Uncertain significance for Deficiency of butyryl-CoA dehydrogenase. Last evaluated: 2022-12-25. Review status: criteria provided, single submitter. Criteria: Invitae Variant Classification Sherloc (09022015). Collection method: clinical testing. Allele origin: germline.
Comment: This variant has not been reported in the literature in individuals affected with ACADS-related conditions. Advanced modeling of protein sequence and biophysical properties (such as structural, functional, and spatial information, amino acid conservation, physicochemical variation, residue mobility, and thermodynamic stability) performed at Invitae indicates that this missense variant is expected to disrupt ACADS protein function. In summary, the available evidence is currently insufficient to determine the role of this variant in disease. Therefore, it has been classified as a Variant of Uncertain Significance. This variant is present in population databases (rs769242128, gnomAD 0.006%). This sequence change replaces isoleucine, which is neutral and non-polar, with valine, which is neutral and non-polar, at codon 273 of the ACADS protein (p.Ile273Val).

Juno Genomics, Hangzhou Juno Genomics, Inc
Classification: Uncertain significance for Deficiency of butyryl-CoA dehydrogenase. Review status: criteria provided, single submitter. Criteria: ACMG Guidelines, 2015. Collection method: clinical testing. Allele origin: germline.
Comment: Absent from controls (or at extremely low frequency if recessive) in Genome Aggregation Database.